The following is an entry in ClinVar:

ClinVar aggregate classification (germline): Benign. Review status: criteria provided, multiple submitters, no conflicts (2 of 4 stars). 3 submissions from 3 submitters: Benign (2). 1 of the submissions does not count toward it. Last evaluated 2020-01-10.

Conditions:
ZNF804A-related disorder. Also called: ZNF804A-related condition.

Allele frequency attached by ClinVar (database versions not stated): TOPMed 0.13394; gnomAD 0.13478 and 0.14059; ESP Exome Variant Server 0.13940; 1000 Genomes Project 30x 0.14600; 1000 Genomes Project 0.15435; gnomAD exomes 0.17161 and 0.17478; ExAC 0.17307.
gnomAD v4.1: 276,949 of 1,613,834 alleles (17%); highest among the groups gnomAD compares: South Asian, 27%; 25,456 homozygotes.

Submissions (3):

GeneDx
Classification: Benign. Last evaluated: 2020-01-10. Review status: criteria provided, single submitter. Criteria: GeneDx Variant Classification Process June 2021. Collection method: clinical testing. Allele origin: germline. Affected: yes.

Breakthrough Genomics
Classification: Benign. Review status: criteria provided, single submitter. Criteria: ACMG Guidelines, 2015. Collection method: not provided. Allele origin: germline. Inheritance: Unknown mechanism. Affected: yes.

PreventionGenetics, part of Exact Sciences
Classification: Benign for ZNF804A-related condition. Last evaluated: 2019-10-21. Review status: no assertion criteria provided. Collection method: clinical testing. Allele origin: germline. Not counted in ClinVar's aggregate classification.
Comment: This variant is classified as benign based on ACMG/AMP sequence variant interpretation guidelines (Richards et al. 2015 PMID: 25741868, with internal and published modifications).

NM_194250.2(ZNF804A):c.3241C>G (p.Leu1081Val)

Gene: ZNF804A (zinc finger protein 804A; plus strand). Cytogenetic location: 2q32.1.
Variant type: single nucleotide variant.
Coding change: c.3241C>G on transcript NM_194250.2 (MANE Select); coding-DNA position 3241, C replaced by G.
Protein change: p.Leu1081Val; replaces leucine 1081 with valine.
Molecular consequence: missense variant.
Genome position (GRCh38, 1-based): chr2:184,938,637, C>G. VCF-style: chr2-184938637-C-G. GRCh37 (hg19) VCF-style: chr2-185803364-C-G.
Other names: short protein forms L1081V.
Identifiers: ClinVar variation 1280392 (VCV001280392.4), dbSNP rs3731834, ClinGen allele CA2016283.
Genomic context (GRCh38, chr2:184,938,637, plus strand): 5'-CTGGCCAACAAGGTTAAATTTACCTTTCCTCCAGCTGCCCTCCCACCCCCTAGCACACCT[C>G]TGCAGCCTTTGCCTTTGCAGCAGTCCTTATGTTCTACCTCTGTAACCACTATCCATCACA-3'
Protein context (NP_919226.1, residues 1071-1091): PAALPPPSTP[Leu1081Val]QPLPLQQSLC